The following is an entry in ClinVar:

NM_001330078.2(NRXN1):c.2049C>A (p.Asn683Lys)

Gene: NRXN1 (neurexin 1; minus strand). Cytogenetic location: 2p16.3.
Variant type: single nucleotide variant.
Coding change: c.2049C>A on transcript NM_001330078.2 (MANE Select); coding-DNA position 2049, C replaced by A.
Protein change: p.Asn683Lys; replaces asparagine 683 with lysine.
Molecular consequence: missense variant.
Genome position (GRCh38, 1-based): chr2:50,538,347, G>T on the plus strand (C>A on the coding strand, the complement: NRXN1 is on the minus strand). VCF-style: chr2-50538347-G-T. GRCh37 (hg19) VCF-style: chr2-50765485-G-T.
Other names: c.2046C>A, p.Asn682Lys (NM_001330093.2); c.2037C>A, p.Asn679Lys (NM_001330094.2); c.2025C>A, p.Asn675Lys (NM_001330095.2, NM_001330077.2, NM_001330082.2); c.1965C>A, p.Asn655Lys (NM_001330096.2, NM_001330087.2); c.2049C>A, p.Asn683Lys (NM_004801.6, NM_001330085.2, NM_001330086.2); c.2169C>A, p.Asn723Lys (NM_001135659.3); c.2010C>A, p.Asn670Lys (NM_001330083.2, NM_001330084.2); c.1995C>A, p.Asn665Lys (NM_001330088.2); short protein forms N655K, N665K, N670K, N675K, N679K, N682K, N683K, N723K.
Identifiers: ClinVar variation 1057565 (VCV001057565.9), dbSNP rs201255327, ClinGen allele CA47319165.

ClinVar aggregate classification (germline): Uncertain significance (1 of 4 stars; one submission).

Conditions:
Pitt-Hopkins-like syndrome 2 (PTHSL2). Identifiers: Orphanet 221150, Orphanet 600663, MedGen C3280479, MONDO:0013690, OMIM 614325.

gnomAD v4.1: 7 of 1,613,830 alleles (0.00043%); highest among the groups gnomAD compares: East Asian, 0.0022%; no homozygotes.

Submission:

Labcorp Genetics (formerly Invitae), Labcorp
Classification: Uncertain significance for Pitt-Hopkins-like syndrome 2. Last evaluated: 2025-11-24. Review status: criteria provided, single submitter. Criteria: Invitae Variant Classification Sherloc (09022015). Collection method: clinical testing. Allele origin: germline.
Comment: This sequence change replaces asparagine, which is neutral and polar, with lysine, which is basic and polar, at codon 723 of the NRXN1 protein (p.Asn723Lys). This variant is present in population databases (rs201255327, gnomAD 0.006%). This variant has not been reported in the literature in individuals affected with NRXN1-related conditions. ClinVar contains an entry for this variant (Variation ID: 1057565). An algorithm developed to predict the effect of missense changes on protein structure and function (PolyPhen-2) suggests that this variant is likely to be tolerated. In summary, the available evidence is currently insufficient to determine the role of this variant in disease. Therefore, it has been classified as a Variant of Uncertain Significance.